The following is an entry in ClinVar:

ClinVar aggregate classification (germline): Uncertain significance (1 of 4 stars; one submission).

Conditions:
Autosomal recessive limb-girdle muscular dystrophy type 2J (LGMDR10). Also called: Limb-girdle muscular dystrophy, type 2J; MUSCULAR DYSTROPHY, LIMB-GIRDLE, AUTOSOMAL RECESSIVE 10. Identifiers: Orphanet 140922, MedGen C1837342, MONDO:0012127, OMIM 608807.
Dilated cardiomyopathy 1G (CMD1G). Identifiers: Orphanet 154, MedGen C1858763, MONDO:0011400, OMIM 604145.

Submission:

Labcorp Genetics (formerly Invitae), Labcorp
Classification: Uncertain significance for Dilated cardiomyopathy 1G; Limb-girdle muscular dystrophy, type 2J. Last evaluated: 2018-12-05. Review status: criteria provided, single submitter. Criteria: Invitae Variant Classification Sherloc (09022015). Collection method: clinical testing. Allele origin: germline.
Comment: This variant is a gross deletion of the genomic region encompassing exons 2-157 of the TTN gene, which includes the initiator codon. The 5' end of this event is unknown as it extends beyond the assayed region for this gene and therefore may encompass additional genes. The 3' boundary is likely confined to intron 157 of the TTN gene.Â¬â€ While this is expected to result in an absent or truncated protein,Â¬â€ alternate in-frame methionines downstream of the initiator codon could potentially rescue the translation initiation. This variant has not been reported in the literature in individuals with TTN-related disease. This variant is located in the Z and I band of TTN (PMID: 25589632). It is unclear how this variant impacts the function of this protein. In summary, the available evidence is currently insufficient to determine the role of this variant in disease. Therefore, it has been classified as a Variant of Uncertain Significance.

Literature cited by the submitters: PubMed 25589632.

NC_000002.12:g.(?_178663423)_(178804652_?)del

Genes: TTN (titin; minus strand), LOC126806430 (BRD4-independent group 4 enhancer GRCh37_chr2:179593794-179594993; plus strand), LOC126806431 (CDK7 strongly-dependent group 2 enhancer GRCh37_chr2:179595719-179596918; plus strand), LOC126806432 (CDK7 strongly-dependent group 2 enhancer GRCh37_chr2:179611985-179613184; plus strand), LOC126806428 (BRD4-independent group 4 enhancer GRCh37_chr2:179588362-179589561; plus strand) and 3 more. Cytogenetic location: 2q31.2.
Variant type: Deletion.
Identifiers: ClinVar variation 653529 (VCV000653529.2).